The following is an entry in ClinVar:

ClinVar aggregate classification (germline): Likely benign. Review status: criteria provided, single submitter (1 of 4 stars). 2 submissions from 2 submitters: Likely benign (1). 1 of the submissions does not count toward it. Last evaluated 2024-11-18.

Conditions:
CAD-related disorder. Also called: CAD-related condition.

Allele frequency attached by ClinVar (database versions not stated): ExAC 0.00001; gnomAD 0.00001; gnomAD exomes 0.00002 and 0.00003; TOPMed 0.00003; ESP Exome Variant Server 0.00008.
gnomAD v4.1: 36 of 1,613,086 alleles (0.0022%); highest among the groups gnomAD compares: Non-Finnish European, 0.0029%; no homozygotes.

Submissions (2):

Labcorp Genetics (formerly Invitae), Labcorp
Classification: Likely benign. Last evaluated: 2024-11-18. Review status: criteria provided, single submitter. Criteria: Invitae Variant Classification Sherloc (09022015). Collection method: clinical testing. Allele origin: germline.

PreventionGenetics, part of Exact Sciences
Classification: Likely benign for CAD-related condition. Last evaluated: 2019-05-28. Review status: no assertion criteria provided. Collection method: clinical testing. Allele origin: germline. Not counted in ClinVar's aggregate classification.
Comment: This variant is classified as likely benign based on ACMG/AMP sequence variant interpretation guidelines (Richards et al. 2015 PMID: 25741868, with internal and published modifications).

NM_004341.5(CAD):c.995+10G>A

Gene: CAD (carbamoyl-phosphate synthetase 2, aspartate transcarbamylase, and dihydroorotase; plus strand). Cytogenetic location: 2p23.3.
Variant type: single nucleotide variant.
Coding change: c.995+10G>A on transcript NM_004341.5 (MANE Select); 10 bases into the intron after coding-DNA position 995, G replaced by A.
Molecular consequence: intron variant.
Genome position (GRCh38, 1-based): chr2:27,223,758, G>A. VCF-style: chr2-27223758-G-A. GRCh37 (hg19) VCF-style: chr2-27446626-G-A.
Other names: c.995+10G>A (NM_001306079.2, NM_004341.4).
Identifiers: ClinVar variation 1582314 (VCV001582314.10), dbSNP rs368999839, ClinGen allele CA1572563.